The following is an entry in ClinVar:

NM_001286577.2(C2CD3):c.5516A>G (p.Gln1839Arg)

Gene: C2CD3 (C2 domain containing 3 centriole elongation regulator; minus strand). Cytogenetic location: 11q13.4.
Variant type: single nucleotide variant.
Coding change: c.5516A>G on transcript NM_001286577.2 (MANE Select); coding-DNA position 5516, A replaced by G.
Protein change: p.Gln1839Arg; replaces glutamine 1839 with arginine.
Molecular consequence: missense variant.
Genome position (GRCh38, 1-based): chr11:74,042,198, T>C on the plus strand (A>G on the coding strand, the complement: C2CD3 is on the minus strand). VCF-style: chr11-74042198-T-C. GRCh37 (hg19) VCF-style: chr11-73753243-T-C.
Other names: c.5516A>G, p.Gln1839Arg (NM_015531.6); short protein forms Q1839R.
Identifiers: ClinVar variation 2123920 (VCV002123920.4), dbSNP rs1396731358, ClinGen allele CA381825141.

ClinVar aggregate classification (germline): Uncertain significance (1 of 4 stars; one submission).

Allele frequency attached by ClinVar (database versions not stated): gnomAD exomes below 0.00001.
gnomAD v4.1: 3 of 1,607,748 alleles (0.00019%); highest among the groups gnomAD compares: Non-Finnish European, 0.00025%; no homozygotes.

Submission:

Labcorp Genetics (formerly Invitae), Labcorp
Classification: Uncertain significance. Last evaluated: 2023-10-03. Review status: criteria provided, single submitter. Criteria: Invitae Variant Classification Sherloc (09022015). Collection method: clinical testing. Allele origin: germline.
Comment: This sequence change replaces glutamine, which is neutral and polar, with arginine, which is basic and polar, at codon 1839 of the C2CD3 protein (p.Gln1839Arg). This variant is present in population databases (no rsID available, gnomAD 0.0009%). This variant has not been reported in the literature in individuals affected with C2CD3-related conditions. ClinVar contains an entry for this variant (Variation ID: 2123920). Advanced modeling of protein sequence and biophysical properties (such as structural, functional, and spatial information, amino acid conservation, physicochemical variation, residue mobility, and thermodynamic stability) has been performed at Invitae for this missense variant, however the output from this modeling did not meet the statistical confidence thresholds required to predict the impact of this variant on C2CD3 protein function. In summary, the available evidence is currently insufficient to determine the role of this variant in disease. Therefore, it has been classified as a Variant of Uncertain Significance.